The following is an entry in ClinVar:

NM_020831.6(MRTFA):c.2473C>A (p.Pro825Thr)

Gene: MRTFA (myocardin related transcription factor A; minus strand). Cytogenetic location: 22q13.1.
Variant type: single nucleotide variant.
Coding change: c.2473C>A on transcript NM_020831.6 (MANE Select); coding-DNA position 2473, C replaced by A.
Protein change: p.Pro825Thr; replaces proline 825 with threonine.
Molecular consequence: missense variant.
Genome position (GRCh38, 1-based): chr22:40,417,385, G>T on the plus strand (C>A on the coding strand, the complement: MRTFA is on the minus strand). VCF-style: chr22-40417385-G-T. GRCh37 (hg19) VCF-style: chr22-40813389-G-T.
Other names: c.2173C>A, p.Pro725Thr (NM_001282660.2); c.2323C>A, p.Pro775Thr (NM_001282661.3); c.2473C>A, p.Pro825Thr (NM_001282662.3); c.2278C>A, p.Pro760Thr (NM_001318139.2); short protein forms P725T, P760T, P775T, P825T.
Identifiers: ClinVar variation 3014985 (VCV003014985.3), dbSNP rs764446580, ClinGen allele CA10249327.
Genomic context (GRCh38, chr22:40,417,385, plus strand): 5'-AGCCCGCCTTCCTCACCTGCTGTTTGGGCTGCTGGCTCATGGCTTCCTCATAGCCAGGTG[G>T]TTCCTTCTTCAGCAGAGAAGTGGGGGTCCCAAAGAGGGGCTGCAGTGGGTGCTCCAGGTC-3'
Protein context (NP_065882.2, residues 815-835): GTPTSLLKKE[Pro825Thr]PGYEEAMSQQ

ClinVar aggregate classification (germline): Uncertain significance (1 of 4 stars; one submission).

Allele frequency attached by ClinVar (database versions not stated): TOPMed below 0.00001; gnomAD 0.00001; gnomAD exomes 0.00001; ExAC 0.00002.
gnomAD v4.1: 14 of 1,611,680 alleles (0.00087%); highest among the groups gnomAD compares: Non-Finnish European, 0.001%; no homozygotes.

Submission:

Labcorp Genetics (formerly Invitae), Labcorp
Classification: Uncertain significance. Last evaluated: 2024-12-07. Review status: criteria provided, single submitter. Criteria: Invitae Variant Classification Sherloc (09022015). Collection method: clinical testing. Allele origin: germline.
Comment: This sequence change replaces proline, which is neutral and non-polar, with threonine, which is neutral and polar, at codon 725 of the MKL1 protein (p.Pro725Thr). This variant is present in population databases (rs764446580, gnomAD 0.005%). This variant has not been reported in the literature in individuals affected with MKL1-related conditions. ClinVar contains an entry for this variant (Variation ID: 3014985). An algorithm developed to predict the effect of missense changes on protein structure and function (PolyPhen-2) suggests that this variant is likely to be disruptive. In summary, the available evidence is currently insufficient to determine the role of this variant in disease. Therefore, it has been classified as a Variant of Uncertain Significance.